The following is an entry in ClinVar:

ClinVar aggregate classification (germline): Pathogenic (1 of 4 stars; one submission).

Conditions:
Trichorhinophalangeal syndrome, type III (TRPS3). Also called: SUGIO-KAJII SYNDROME. Identifiers: Orphanet 77258, MedGen C1860823, OMIM 190351, MONDO:0008597.
Trichorhinophalangeal dysplasia type I (TRPS1). Also called: TRPS I; TRICHORHINOPHALANGEAL SYNDROME, TYPE I. Identifiers: Orphanet 77258, MedGen C0432233, MONDO:0008596, OMIM 190350.

Submission:

Labcorp Genetics (formerly Invitae), Labcorp
Classification: Pathogenic for Trichorhinophalangeal syndrome, type III; Trichorhinophalangeal dysplasia type I. Last evaluated: 2021-12-17. Review status: criteria provided, single submitter. Criteria: Invitae Variant Classification Sherloc (09022015). Collection method: clinical testing. Allele origin: germline.
Comment: This variant is not present in population databases (gnomAD no frequency). For these reasons, this variant has been classified as Pathogenic. This variant disrupts a region of the TRPS1 protein in which other variant(s) (p.Thr1215Glnfs*27) have been determined to be pathogenic (PMID: 26113321). This suggests that this is a clinically significant region of the protein, and that variants that disrupt it are likely to be disease-causing. This variant has not been reported in the literature in individuals affected with TRPS1-related conditions. This sequence change creates a premature translational stop signal (p.Gly1187Alafs*22) in the TRPS1 gene. While this is not anticipated to result in nonsense mediated decay, it is expected to disrupt the last 108 amino acid(s) of the TRPS1 protein.

Literature cited by the submitters: PubMed 26113321.

NM_014112.5(TRPS1):c.3556_3559dup (p.Gly1187fs)

Gene: TRPS1 (transcriptional repressor GATA binding 1; minus strand). Cytogenetic location: 8q23.3.
Variant type: Duplication.
Coding change: c.3556_3559dup on transcript NM_014112.5 (MANE Select); coding-DNA positions 3556 to 3559, 4 bases duplicated (CCTG; older notation c.3556_3559dupCCTG).
Protein change: p.Gly1187fs; shifts the reading frame from glycine 1187.
Molecular consequence: frameshift variant.
Genome position (GRCh38, 1-based): chr8:115,414,349-115,414,352, CAGG duplicated on the plus strand (CCTG on the coding strand, the reverse complement: TRPS1 is on the minus strand). VCF-style (leftmost placement, unchanged base first): chr8-115414348-C-CCAGG. GRCh37 (hg19) VCF-style: chr8-116426576-C-CCAGG.
Other names: c.3529_3532dup, p.Gly1178fs (NM_001282902.3); c.3535_3538dup, p.Gly1180fs (NM_001282903.3); c.3517_3520dup, p.Gly1174fs (NM_001330599.2); short protein forms G1174fs, G1180fs, G1178fs, G1187fs.
Identifiers: ClinVar variation 2044938 (VCV002044938.4), dbSNP rs2536581337, ClinGen allele CA2580078538.